The following is an entry in ClinVar:

ClinVar aggregate classification (germline): Benign/Likely benign. Review status: criteria provided, multiple submitters, no conflicts (2 of 4 stars). 4 submissions from 4 submitters: Benign (2); Likely benign (1). 1 of the submissions does not count toward it. Last evaluated 2022-12-01.

Conditions:
PLEKHA5-related disorder. Also called: PLEKHA5-related condition.

Allele frequency attached by ClinVar (database versions not stated): 1000 Genomes Project 0.00100; 1000 Genomes Project 30x 0.00125; gnomAD 0.00224 and 0.00236; gnomAD exomes 0.00257 and 0.00392; TOPMed 0.00263; ESP Exome Variant Server 0.00285; ExAC 0.00581.
gnomAD v4.1: 4,063 of 1,540,918 alleles (0.26%); highest among the groups gnomAD compares: Middle Eastern, 0.54%; 36 homozygotes.

Submissions (4):

CeGaT Center for Human Genetics Tuebingen
Classification: Likely benign. Last evaluated: 2022-12-01. Review status: criteria provided, single submitter. Criteria: CeGaT Center For Human Genetics Tuebingen Variant Classification Criteria Version 2. Collection method: clinical testing. Allele origin: germline. Affected: yes. Observed: 2 variant alleles.
Comment: PLEKHA5: BP4

Labcorp Genetics (formerly Invitae), Labcorp
Classification: Benign. Last evaluated: 2018-05-16. Review status: criteria provided, single submitter. Criteria: Invitae Variant Classification Sherloc (09022015). Collection method: clinical testing. Allele origin: germline.

Breakthrough Genomics
Classification: Benign. Review status: criteria provided, single submitter. Criteria: ACMG Guidelines, 2015. Collection method: not provided. Allele origin: germline. Inheritance: Unknown mechanism. Affected: yes.

PreventionGenetics, part of Exact Sciences
Classification: Benign for PLEKHA5-related condition. Last evaluated: 2019-05-14. Review status: no assertion criteria provided. Collection method: clinical testing. Allele origin: germline. Not counted in ClinVar's aggregate classification.
Comment: This variant is classified as benign based on ACMG/AMP sequence variant interpretation guidelines (Richards et al. 2015 PMID: 25741868, with internal and published modifications).

NM_001256470.2(PLEKHA5):c.2052A>G (p.Glu684=)

Gene: PLEKHA5 (pleckstrin homology domain containing A5; plus strand). Cytogenetic location: 12p12.3.
Variant type: single nucleotide variant.
Coding change: c.2052A>G on transcript NM_001256470.2 (MANE Select); coding-DNA position 2052, A replaced by G.
Protein change: p.Glu684=; no amino-acid change (glutamic acid 684 retained).
Molecular consequence: synonymous variant. On other transcripts: non-coding transcript variant (4), intron variant (32).
Genome position (GRCh38, 1-based): chr12:19,314,828, A>G. VCF-style: chr12-19314828-A-G. GRCh37 (hg19) VCF-style: chr12-19467762-A-G.
Other names: c.2034A>G, p.Glu678= (NM_001385928.1, NM_001385930.1, NM_001385923.1 and 1 more transcripts); c.2052A>G, p.Glu684= (NM_001385929.1, NM_001385931.1, NM_001385937.1 and 2 more transcripts); c.1728A>G, p.Glu576= (NM_001385933.1, NM_001385939.1, NM_001385942.1); c.1878A>G, p.Glu626= (NM_001385934.1); c.1710A>G, p.Glu570= (NM_001385935.1, NM_001385941.1, NM_001385944.1 and 1 more transcripts); c.1860A>G, p.Glu620= (NM_001385936.1); c.1536A>G, p.Glu512= (NM_001385940.1, NM_001385953.1, NM_001256787.2); c.2020-5734A>G (NM_001385968.1, NM_001143821.3); and 10 more.
Identifiers: ClinVar variation 719840 (VCV000719840.29), dbSNP rs371284756, ClinGen allele CA6472472.